The following is an entry in ClinVar:

ClinVar aggregate classification (germline): Benign/Likely benign. Review status: criteria provided, multiple submitters, no conflicts (2 of 4 stars). 3 submissions from 3 submitters: Benign (1); Likely benign (2). Last evaluated 2025-11-03.

Conditions:
Charcot-Marie-Tooth Neuropathy X. Identifiers: MedGen CN118851.

Allele frequency attached by ClinVar (database versions not stated): TOPMed below 0.00001; gnomAD 0.00001; ExAC 0.00004; gnomAD exomes 0.00005.
gnomAD v4.1: 48 of 1,208,074 alleles (0.004%); highest among the groups gnomAD compares: African/African-American, 0.0018%; no homozygotes.

Submissions (3):

Labcorp Genetics (formerly Invitae), Labcorp
Classification: Benign for Charcot-Marie-Tooth Neuropathy X. Last evaluated: 2025-11-03. Review status: criteria provided, single submitter. Criteria: Invitae Variant Classification Sherloc (09022015). Collection method: clinical testing. Allele origin: germline.

Blueprint Genetics
Classification: Likely benign. Last evaluated: 2023-10-26. Review status: criteria provided, single submitter. Criteria: ACMG Guidelines, 2015. Collection method: clinical testing. Allele origin: germline.

CeGaT Center for Human Genetics Tuebingen
Classification: Likely benign. Last evaluated: 2023-03-01. Review status: criteria provided, single submitter. Criteria: CeGaT Center For Human Genetics Tuebingen Variant Classification Criteria Version 2. Collection method: clinical testing. Allele origin: germline. Affected: yes. Observed: 1 variant allele.
Comment: GJB1: BP4, BP7, BS2

NM_000166.6(GJB1):c.705C>T (p.Phe235=)

Gene: GJB1 (gap junction protein beta 1; plus strand). Cytogenetic location: Xq13.1.
Variant type: single nucleotide variant.
Coding change: c.705C>T on transcript NM_000166.6 (MANE Select); coding-DNA position 705, C replaced by T.
Protein change: p.Phe235=; no amino-acid change (phenylalanine 235 retained).
Molecular consequence: synonymous variant.
Genome position (GRCh38, 1-based): chrX:71,224,412, C>T. VCF-style: chrX-71224412-C-T. GRCh37 (hg19) VCF-style: chrX-70444262-C-T.
Other names: c.705C>T, p.Phe235= (NM_001097642.3).
Identifiers: ClinVar variation 1169907 (VCV001169907.34), dbSNP rs760150310, ClinGen allele CA10445336.